The following is an entry in ClinVar:

NM_006348.5(COG5):c.1991C>G (p.Ala664Gly)

Gene: COG5 (component of oligomeric golgi complex 5; minus strand). Cytogenetic location: 7q22.3.
Variant type: single nucleotide variant.
Coding change: c.1991C>G on transcript NM_006348.5 (MANE Select); coding-DNA position 1991, C replaced by G.
Protein change: p.Ala664Gly; replaces alanine 664 with glycine.
Molecular consequence: missense variant. On other transcripts: intron variant (1).
Genome position (GRCh38, 1-based): chr7:107,236,550, G>C on the plus strand (C>G on the coding strand, the complement: COG5 is on the minus strand). VCF-style: chr7-107236550-G-C. GRCh37 (hg19) VCF-style: chr7-106876995-G-C.
Other names: c.1991C>G, p.Ala664Gly (NM_001161520.2, NM_001379513.1); c.1829C>G, p.Ala610Gly (NM_001379511.1); c.1817C>G, p.Ala606Gly (NM_001379512.1); c.1421C>G, p.Ala474Gly (NM_001379515.1); c.1277C>G, p.Ala426Gly (NM_001379516.1); c.1928C>G, p.Ala643Gly (NM_181733.4); c.1853+11846C>G (NM_001379514.1); short protein forms A643G, A426G, A606G, A664G, A474G, A610G.
Identifiers: ClinVar variation 5034670 (VCV005034670.1).
Genomic context (GRCh38, chr7:107,236,550, plus strand): 5'-CCAAGAGGTCTTATGAGACTGGCATGGCGGATAAAAAGTTCAACAGCTCTTTGGGCAATA[G>C]CCTCAGTGTTGTCAAAGACAAAATCCAAGCATTCAAAGTGTTTAAAATAGTCACTCATAA-3'
Protein context (NP_006339.4, residues 654-674): CLDFVFDNTE[Ala664Gly]IAQRAVELFI

ClinVar aggregate classification (germline): Uncertain significance (1 of 4 stars; one submission).

Conditions:
Inborn genetic diseases. Identifiers: MedGen C0950123, MeSH D030342.

gnomAD v4.1: 2 of 1,614,062 alleles (0.00012%); highest among the groups gnomAD compares: Middle Eastern, 0.016%; no homozygotes.

Submission:

Ambry Genetics
Classification: Uncertain significance for Inborn genetic diseases. Last evaluated: 2026-08-17. Review status: criteria provided, single submitter. Criteria: Ambry Variant Classification Scheme 2023. Collection method: clinical testing. Allele origin: germline.
Comment: The c.2084C>G (p.A695G) alteration is located in exon 18 (coding exon 18) of the COG5 gene. This alteration results from a C to G substitution at nucleotide position 2084, causing the alanine (A) at amino acid position 695 to be replaced by a glycine (G). Based on data from gnomAD, the G allele has an overall frequency of <0.001% (1/251468) total alleles studied. The highest observed frequency was <0.001% (/) of alleles. Based on insufficient or conflicting evidence, the clinical significance of this alteration remains unclear.